The following is an entry in ClinVar:

NM_005732.4(RAD50):c.2033_2034dup (p.Cys680fs)

Gene: RAD50 (RAD50 double strand break repair protein; plus strand). Cytogenetic location: 5q31.1.
Variant type: Duplication.
Coding change: c.2033_2034dup on transcript NM_005732.4 (MANE Select); coding-DNA positions 2033 to 2034, 2 bases duplicated (AG; older notation c.2033_2034dupAG).
Protein change: p.Cys680fs; shifts the reading frame from cysteine 680.
Molecular consequence: frameshift variant.
Genome position (GRCh38, 1-based): chr5:132,595,636-132,595,637, AG duplicated. VCF-style (leftmost placement, unchanged base first): chr5-132595635-C-CAG. GRCh37 (hg19) VCF-style: chr5-131931327-C-CAG.
Other names: short protein forms C680fs.
Identifiers: ClinVar variation 820565 (VCV000820565.11), dbSNP rs771855778, ClinGen allele CA127253015.

ClinVar aggregate classification (germline): Pathogenic. Review status: criteria provided, multiple submitters, no conflicts (2 of 4 stars). 2 submissions from 2 submitters: Pathogenic (2). Last evaluated 2024-01-04.

Conditions:
Hereditary cancer-predisposing syndrome. Also called: Neoplastic Syndromes, Hereditary; Tumor predisposition; Hereditary Cancer Syndrome; Hereditary neoplastic syndrome. Identifiers: Orphanet 140162, MedGen C0027672, MeSH D009386, MONDO:0015356.

Allele frequency attached by ClinVar (database versions not stated): gnomAD exomes below 0.00001; TOPMed below 0.00001; gnomAD 0.00001.

Submissions (2):

Labcorp Genetics (formerly Invitae), Labcorp
Classification: Pathogenic for Hereditary cancer-predisposing syndrome. Last evaluated: 2024-01-04. Review status: criteria provided, single submitter. Criteria: Invitae Variant Classification Sherloc (09022015). Collection method: clinical testing. Allele origin: germline.
Comment: This sequence change creates a premature translational stop signal (p.Cys680Hisfs*41) in the RAD50 gene. It is expected to result in an absent or disrupted protein product. Loss-of-function variants in RAD50 are known to be pathogenic (PMID: 19409520). This variant is not present in population databases (gnomAD no frequency). This variant has not been reported in the literature in individuals affected with RAD50-related conditions. ClinVar contains an entry for this variant (Variation ID: 820565). For these reasons, this variant has been classified as Pathogenic.

Ambry Genetics
Classification: Pathogenic for Hereditary cancer-predisposing syndrome. Last evaluated: 2022-12-19. Review status: criteria provided, single submitter. Criteria: Ambry Variant Classification Scheme 2023. Collection method: clinical testing. Allele origin: germline.
Comment: The c.2033_2034dupAG pathogenic mutation, located in coding exon 13 of the RAD50 gene, results from a duplication of AG at nucleotide position 2033, causing a translational frameshift with a predicted alternate stop codon (p.C680Hfs*41). This variant is considered to be rare based on population cohorts in the Genome Aggregation Database (gnomAD). This alteration is expected to result in loss of function by premature protein truncation or nonsense-mediated mRNA decay. As such, this alteration is interpreted as a disease-causing mutation.

Literature cited by the submitters: PubMed 19409520 (cited by Labcorp Genetics (formerly Invitae), Labcorp).